The following is an entry in ClinVar:

NM_002230.4(JUP):c.1713C>G (p.Ala571=)

Gene: JUP (junction plakoglobin; minus strand). Cytogenetic location: 17q21.2.
Variant type: single nucleotide variant.
Coding change: c.1713C>G on transcript NM_002230.4 (MANE Select); coding-DNA position 1713, C replaced by G.
Protein change: p.Ala571=; no amino-acid change (alanine 571 retained).
Molecular consequence: synonymous variant.
Genome position (GRCh38, 1-based): chr17:41,758,459, G>C on the plus strand (C>G on the coding strand, the complement: JUP is on the minus strand). VCF-style: chr17-41758459-G-C. GRCh37 (hg19) VCF-style: chr17-39914711-G-C.
Other names: c.1713C>G (NM_021991.2, NM_002230.3); c.1713C>G, p.Ala571= (NM_001352773.2, NM_001352774.2, NM_001352775.2 and 3 more transcripts).
Identifiers: ClinVar variation 510416 (VCV000510416.14), dbSNP rs138446862, ClinGen allele CA8565147.

ClinVar aggregate classification (germline): Likely benign. Review status: criteria provided, multiple submitters, no conflicts (2 of 4 stars). 6 submissions from 6 submitters: Likely benign (6). Last evaluated 2026-04-07.

Conditions:
Cardiovascular phenotype. Identifiers: MedGen CN230736.
Naxos disease (NXD). Also called: KERATOSIS PALMOPLANTARIS WITH ARRHYTHMOGENIC CARDIOMYOPATHY; MAL DE NAXOS; WOOLLY HAIR, PALMOPLANTAR KERATODERMA, AND CARDIAC ABNORMALITIES; PALMOPLANTAR KERATODERMA WITH ARRHYTHMOGENIC RIGHT VENTRICULAR CARDIOMYOPATHY AND WOOLLY HAIR; CARDIOMYOPATHY, ARRHYTHMOGENIC RIGHT VENTRICULAR, WITH SKIN, HAIR, AND NAIL ABNORMALITIES. Identifiers: Orphanet 34217, MedGen C1832600, MONDO:0011017, OMIM 601214.
Arrhythmogenic right ventricular dysplasia 12. Also called: ARRHYTHMOGENIC RIGHT VENTRICULAR DYSPLASIA, FAMILIAL, 12. Identifiers: MedGen C1969081, MONDO:0012684, OMIM 611528.
JUP-related disorder. Also called: JUP-related condition.

Allele frequency attached by ClinVar (database versions not stated): gnomAD exomes 0.00003; ExAC 0.00004; gnomAD 0.00005 and 0.00006; TOPMed 0.00005; ESP Exome Variant Server 0.00008.
gnomAD v4.1: 125 of 1,613,960 alleles (0.0077%); highest among the groups gnomAD compares: Non-Finnish European, 0.01%; no homozygotes.

Submissions (6):

PreventionGenetics, part of Exact Sciences
Classification: Likely benign for JUP-related condition. Last evaluated: 2026-04-07. Review status: criteria provided, single submitter. Criteria: ACMG Guidelines, 2015. Collection method: clinical testing. Allele origin: germline.
Comment: This variant is classified as likely benign based on ACMG/AMP sequence variant interpretation guidelines (Richards et al. 2015 PMID: 25741868, with internal and published modifications).

Labcorp Genetics (formerly Invitae), Labcorp
Classification: Likely benign for Arrhythmogenic right ventricular dysplasia 12; Naxos disease. Last evaluated: 2026-01-13. Review status: criteria provided, single submitter. Criteria: Invitae Variant Classification Sherloc (09022015). Collection method: clinical testing. Allele origin: germline.

Molecular Diagnostic Laboratory for Inherited Cardiovascular Disease, Montreal Heart Institute
Classification: Likely benign. Last evaluated: 2025-04-09. Review status: criteria provided, single submitter. Criteria: ACMG Guidelines, 2015. Collection method: clinical testing. Allele origin: germline. Affected: no.

Blueprint Genetics
Classification: Likely benign. Last evaluated: 2020-03-16. Review status: criteria provided, single submitter. Criteria: ACMG Guidelines, 2015. Collection method: clinical testing. Allele origin: germline.

Ambry Genetics
Classification: Likely benign for Cardiovascular phenotype. Last evaluated: 2018-01-04. Review status: criteria provided, single submitter. Criteria: Ambry Variant Classification Scheme 2023. Collection method: clinical testing. Allele origin: germline.

GeneDx
Classification: Likely benign. Last evaluated: 2017-06-26. Review status: criteria provided, single submitter. Criteria: GeneDx Variant Classification (06012015). Collection method: clinical testing. Allele origin: germline. Affected: yes.
Comment: This variant is considered likely benign or benign based on one or more of the following criteria: it is a conservative change, it occurs at a poorly conserved position in the protein, it is predicted to be benign by multiple in silico algorithms, and/or has population frequency not consistent with disease.